The following is an entry in ClinVar:

ClinVar aggregate classification (germline): Pathogenic/Likely pathogenic. Review status: criteria provided, multiple submitters, no conflicts (2 of 4 stars). 3 submissions from 3 submitters: Pathogenic (1); Likely pathogenic (2). Last evaluated 2024-09-09.

Conditions:
Cohen syndrome (COH1). Also called: Cutis verticis gyrata, retinitis pigmentosa, and sensorineural deafness; PEPPER SYNDROME. Identifiers: Orphanet 193, MedGen C0265223, MONDO:0008999, OMIM 216550.
VPS13B-related disorder. Also called: VPS13B-related condition.

Allele frequency attached by ClinVar (database versions not stated): gnomAD exomes below 0.00001.
gnomAD v4.1: 4 of 1,610,494 alleles (0.00025%); highest among the groups gnomAD compares: Non-Finnish European, 0.00017%; no homozygotes.

Submissions (3):

Labcorp Genetics (formerly Invitae), Labcorp
Classification: Pathogenic for Cohen syndrome. Last evaluated: 2024-09-09. Review status: criteria provided, single submitter. Criteria: Invitae Variant Classification Sherloc (09022015). Collection method: clinical testing. Allele origin: germline.
Comment: This sequence change creates a premature translational stop signal (p.Glu422*) in the VPS13B gene. It is expected to result in an absent or disrupted protein product. Loss-of-function variants in VPS13B are known to be pathogenic (PMID: 15141358, 16648375, 20461111). This variant is not present in population databases (gnomAD no frequency). This variant has not been reported in the literature in individuals affected with VPS13B-related conditions. ClinVar contains an entry for this variant (Variation ID: 2188575). Algorithms developed to predict the effect of sequence changes on RNA splicing suggest that this variant may disrupt the consensus splice site. For these reasons, this variant has been classified as Pathogenic.

Fulgent Genetics
Classification: Likely pathogenic for Cohen syndrome. Last evaluated: 2024-05-04. Review status: criteria provided, single submitter. Criteria: ACMG Guidelines, 2015. Collection method: clinical testing. Allele origin: germline.

Blueprint Genetics
Classification: Likely pathogenic for VPS13B-related disorders. Last evaluated: 2020-02-10. Review status: criteria provided, single submitter. Criteria: ACMG Guidelines, 2015. Collection method: clinical testing. Allele origin: germline. Affected: yes. Observed: 2 variant alleles.

Literature cited by the submitters: PubMed 15141358 (cited by Labcorp Genetics (formerly Invitae), Labcorp); PubMed 16648375 (cited by Labcorp Genetics (formerly Invitae), Labcorp); PubMed 20461111 (cited by Labcorp Genetics (formerly Invitae), Labcorp).

NM_152564.5(VPS13B):c.1264G>T (p.Glu422Ter)

Gene: VPS13B (vacuolar protein sorting 13 homolog B; plus strand). Cytogenetic location: 8q22.2.
Variant type: single nucleotide variant.
Coding change: c.1264G>T on transcript NM_152564.5 (MANE Select); coding-DNA position 1264, G replaced by T.
Protein change: p.Glu422Ter; replaces glutamic acid 422 with a stop codon.
Molecular consequence: nonsense.
Genome position (GRCh38, 1-based): chr8:99,134,689, G>T. VCF-style: chr8-99134689-G-T. GRCh37 (hg19) VCF-style: chr8-100146917-G-T.
Other names: c.1264G>T, p.Glu422Ter (NM_015243.3, NM_017890.5); short protein forms E422*.
Identifiers: ClinVar variation 2188575 (VCV002188575.6), dbSNP rs2488758091, ClinGen allele CA371861995.
Genomic context (GRCh38, chr8:99,134,689, plus strand): 5'-TAGCTCACAGAAATGCAAGTTGAGAGTAGTTATTACAGTCCACAGAAAGTAAAATCTAAA[G>T]AAGTATTGTGTTGGGAACAAGAAGGAACTACAGTTGAGGTAATCTTTCAATATTGAACCT-3'